The following is an entry in ClinVar:

ClinVar aggregate classification (germline): Likely pathogenic (1 of 4 stars; one submission).

Conditions:
Short stature due to primary acid-labile subunit deficiency. Also called: Acid-labile subunit deficiency; Acid-labile subunit, deficiency of. Identifiers: Orphanet 140941, MedGen C3900122, MONDO:0014420, OMIM 615961.

Submission:

First Genomix Gene Laboratory, Genetic Diagnostics Department
Classification: Likely pathogenic for Short stature due to primary acid-labile subunit deficiency. Last evaluated: 2025-03-21. Review status: criteria provided, single submitter. Criteria: ACMG Guidelines, 2015. Collection method: clinical testing. Allele origin: germline. Inheritance: Autosomal recessive inheritance. Affected: no. Observed: 1 variant allele.

NM_004970.3(IGFALS):c.869_872delinsACACGTTCTCC (p.Leu290fs)

Gene: IGFALS (insulin like growth factor binding protein acid labile subunit; minus strand). Cytogenetic location: 16p13.3.
Variant type: Indel.
Coding change: c.869_872delinsACACGTTCTCC on transcript NM_004970.3 (MANE Select); coding-DNA positions 869 to 872, TGGG replaced by ACACGTTCTCC.
Protein change: p.Leu290fs; shifts the reading frame from leucine 290.
Molecular consequence: frameshift variant. On other transcripts: non-coding transcript variant (1).
Genome position (GRCh38, 1-based): chr16:1,791,546-1,791,549, CCCA replaced by GGAGAACGTGT on the plus strand (TGGG replaced by ACACGTTCTCC on the coding strand, the reverse complement: IGFALS is on the minus strand). VCF-style: chr16-1791546-CCCA-GGAGAACGTGT. GRCh37 (hg19) VCF-style: chr16-1841547-CCCA-GGAGAACGTGT.
Other names: c.983_986delinsACACGTTCTCC, p.Leu328fs (NM_001146006.2); short protein forms L290fs, L328fs.
Identifiers: ClinVar variation 4845784 (VCV004845784.1).